The following is an entry in ClinVar:

ClinVar aggregate classification (germline): Uncertain significance (1 of 4 stars; one submission).

Conditions:
COL4A3-related disorder. Also called: COL4A3-Related Disorders; COL4A3-related condition.

gnomAD v4.1: 1 of 1,614,000 alleles (0.000062%); highest among the groups gnomAD compares: African/African-American, 0.0013%; no homozygotes.

Submission:

PreventionGenetics, part of Exact Sciences
Classification: Uncertain significance for COL4A3-related condition. Last evaluated: 2025-11-30. Review status: criteria provided, single submitter. Criteria: ACMG Guidelines, 2015. Collection method: clinical testing. Allele origin: germline.
Comment: The COL4A3 c.4976T>C variant is predicted to result in the amino acid substitution p.Ile1659Thr. To our knowledge, this variant has not been reported in the literature or in a large population database (gnomAD), indicating this variant is rare. At this time, the clinical significance of this variant is uncertain due to the absence of conclusive functional and genetic evidence.

NM_000091.5(COL4A3):c.4976T>C (p.Ile1659Thr)

Genes: COL4A3 (collagen type IV alpha 3 chain; plus strand), MFF-DT (MFF divergent transcript; minus strand). Cytogenetic location: 2q36.3.
Variant type: single nucleotide variant.
Coding change: c.4976T>C on transcript NM_000091.5 (MANE Select); coding-DNA position 4976, T replaced by C.
Protein change: p.Ile1659Thr; replaces isoleucine 1659 with threonine.
Molecular consequence: missense variant.
Genome position (GRCh38, 1-based): chr2:227,311,833, T>C. VCF-style: chr2-227311833-T-C. GRCh37 (hg19) VCF-style: chr2-228176549-T-C.
Other names: short protein forms I1659T.
Identifiers: ClinVar variation 4995903 (VCV004995903.1).